The following is an entry in ClinVar:

ClinVar aggregate classification (germline): Uncertain significance (1 of 4 stars; one submission).

Conditions:
Hereditary cancer-predisposing syndrome. Also called: Neoplastic Syndromes, Hereditary; Tumor predisposition; Hereditary Cancer Syndrome; Hereditary neoplastic syndrome. Identifiers: Orphanet 140162, MedGen C0027672, MeSH D009386, MONDO:0015356.

gnomAD v4.1: 1 of 1,613,848 alleles (0.000062%); highest among the groups gnomAD compares: Non-Finnish European, 0.000085%; no homozygotes.

Submission:

Ambry Genetics
Classification: Uncertain significance for Hereditary cancer-predisposing syndrome. Last evaluated: 2024-10-11. Review status: criteria provided, single submitter. Criteria: Ambry Variant Classification Scheme 2023. Collection method: clinical testing. Allele origin: germline.
Comment: The p.C58F variant (also known as c.173G>T), located in coding exon 2 of the BRIP1 gene, results from a G to T substitution at nucleotide position 173. The cysteine at codon 58 is replaced by phenylalanine, an amino acid with highly dissimilar properties. This amino acid position is highly conserved in available vertebrate species. In addition, this alteration is predicted to be deleterious by in silico analysis. Since supporting evidence is limited at this time, the clinical significance of this alteration remains unclear.

NM_032043.3(BRIP1):c.173G>T (p.Cys58Phe)

Gene: BRIP1 (BRCA1 interacting DNA helicase 1; minus strand). Cytogenetic location: 17q23.2.
Variant type: single nucleotide variant.
Coding change: c.173G>T on transcript NM_032043.3 (MANE Select); coding-DNA position 173, G replaced by T.
Protein change: p.Cys58Phe; replaces cysteine 58 with phenylalanine.
Molecular consequence: missense variant.
Genome position (GRCh38, 1-based): chr17:61,859,828, C>A on the plus strand (G>T on the coding strand, the complement: BRIP1 is on the minus strand). VCF-style: chr17-61859828-C-A. GRCh37 (hg19) VCF-style: chr17-59937189-C-A.
Other names: short protein forms C58F.
Identifiers: ClinVar variation 819946 (VCV000819946.5), dbSNP rs749920386, ClinGen allele CA400485713.
Genomic context (GRCh38, chr17:61,859,828, plus strand): 5'-AACCTGAAGATATCAAGCAACTACTTACCACTAAGAGATTGTTGCCATGCTAAAGCAGAA[C>A]AAAGTAAGGCTAAGCTTTTTCCACTTCCTGTGGGACTCTCCAACAAACAATGTTGCTTGC-3'
Protein context (NP_114432.2, residues 48-68): TGSGKSLALL[Cys58Phe]SALAWQQSLS